The following is an entry in ClinVar:

ClinVar aggregate classification (germline): Likely pathogenic (0 of 4 stars; one submission).

Conditions:
TRAPPopathy microcephalic.

Submission:

Molecular Genetics, Sadra Medical Genetics Laboratory
Classification: Likely pathogenic for TRAPPopathy microcephalic. Last evaluated: 2021-11-30. Review status: no assertion criteria provided. Collection method: clinical testing. Allele origin: germline. Inheritance: Autosomal recessive inheritance. Affected: yes. Observed: 1 homozygote.
Comment: In summary, the p.Cys1074Ter variant meets our criteria to be classified as likely pathogenic based upon segregation studies, absence from controls, and recent evidences from literature related to this new candidate gene.

NM_003274.5(TRAPPC10):c.3222C>A (p.Cys1074Ter)

Gene: TRAPPC10 (trafficking protein particle complex subunit 10; plus strand). Cytogenetic location: 21q22.3.
Variant type: single nucleotide variant.
Coding change: c.3222C>A on transcript NM_003274.5 (MANE Select); coding-DNA position 3222, C replaced by A.
Protein change: p.Cys1074Ter; replaces cysteine 1074 with a stop codon.
Molecular consequence: nonsense.
Genome position (GRCh38, 1-based): chr21:44,098,410, C>A. VCF-style: chr21-44098410-C-A. GRCh37 (hg19) VCF-style: chr21-45518291-C-A.
Other names: c.1821C>A, p.Cys607Ter (NM_001351709.1); short protein forms C1074*, C607*.
Identifiers: ClinVar variation 1691454 (VCV001691454.4), dbSNP rs1179604644, ClinGen allele CA410420016.